The following is an entry in ClinVar:

NM_001371727.1(GABRB2):c.805G>C (p.Asp269His)

Gene: GABRB2 (gamma-aminobutyric acid type A receptor subunit beta2; minus strand). Cytogenetic location: 5q34.
Variant type: single nucleotide variant.
Coding change: c.805G>C on transcript NM_001371727.1 (MANE Select); coding-DNA position 805, G replaced by C.
Protein change: p.Asp269His; replaces aspartic acid 269 with histidine.
Molecular consequence: missense variant.
Genome position (GRCh38, 1-based): chr5:161,334,779, C>G on the plus strand (G>C on the coding strand, the complement: GABRB2 is on the minus strand). VCF-style: chr5-161334779-C-G. GRCh37 (hg19) VCF-style: chr5-160761786-C-G.
Other names: c.805G>C, p.Asp269His (NM_000813.3, NM_021911.3); short protein forms D269H.
Identifiers: ClinVar variation 3364778 (VCV003364778.4).

ClinVar aggregate classification (germline): Uncertain significance. Review status: criteria provided, multiple submitters, no conflicts (2 of 4 stars). 2 submissions from 2 submitters: Uncertain significance (2). Last evaluated 2025-10-06.

Conditions:
Inborn genetic diseases. Identifiers: MedGen C0950123, MeSH D030342.

Submissions (2):

GeneDx
Classification: Uncertain significance. Last evaluated: 2025-10-06. Review status: criteria provided, single submitter. Criteria: GeneDx Variant Classification Process June 2021. Collection method: clinical testing. Allele origin: germline.
Comment: Not observed at significant frequency in large population cohorts (gnomAD); In silico analysis supports that this missense variant has a deleterious effect on protein structure/function; Has not been previously published as pathogenic or benign to our knowledge

Ambry Genetics
Classification: Uncertain significance for Inborn genetic diseases. Last evaluated: 2024-12-19. Review status: criteria provided, single submitter. Criteria: Ambry Variant Classification Scheme 2023. Collection method: clinical testing. Allele origin: germline.
Comment: The c.805G>C (p.D269H) alteration is located in exon 8 (coding exon 7) of the GABRB2 gene. This alteration results from a G to C substitution at nucleotide position 805, causing the aspartic acid (D) at amino acid position 269 to be replaced by a histidine (H). This variant was not reported in population-based cohorts in the Genome Aggregation Database (gnomAD). This amino acid position is highly conserved in available vertebrate species. This missense alteration is located in a region that has a low rate of benign missense variation (Lek, 2016; Firth, 2009). This alteration is predicted to be deleterious by in silico analysis. Based on insufficient or conflicting evidence, the clinical significance of this alteration remains unclear.